The following is an entry in ClinVar:

ClinVar aggregate classification (germline): Benign. Review status: criteria provided, multiple submitters, no conflicts (2 of 4 stars). 7 submissions from 6 submitters: Benign (6). 1 of the submissions does not count toward it. Last evaluated 2026-02-03.

Conditions:
KCNT1-related disorder. Also called: KCNT1-related condition.
Developmental and epileptic encephalopathy, 14 (DEE14). Also called: Early infantile epileptic encephalopathy 14. Identifiers: Orphanet 293181, MedGen C3554195, MONDO:0013989, OMIM 614959.
Autosomal dominant nocturnal frontal lobe epilepsy 5. Also called: KCNT1-Related Epilepsy; CILIARY DYSKINESIA, PRIMARY, 28, WITHOUT SITUS INVERSUS; CILIARY DYSKINESIA, PRIMARY, 28, WITH SITUS INVERSUS; Epilepsy, nocturnal frontal lobe, 5. Identifiers: Orphanet 98784, MedGen C3554306, MONDO:0014002, OMIM 615005.

Allele frequency attached by ClinVar (database versions not stated): gnomAD exomes 0.00032 and 0.00091; ExAC 0.00271; gnomAD 0.00801 and 0.00858; ESP Exome Variant Server 0.00846; TOPMed 0.00954; 1000 Genomes Project 0.01058; 1000 Genomes Project 30x 0.01093.
gnomAD v4.1: 1,693 of 1,611,814 alleles (0.11%); highest among the groups gnomAD compares: African/African-American, 2.1%; 24 homozygotes.

Submissions (7):

Labcorp Genetics (formerly Invitae), Labcorp
Classification: Benign for Autosomal dominant nocturnal frontal lobe epilepsy 5; Developmental and epileptic encephalopathy, 14. Last evaluated: 2026-02-03. Review status: criteria provided, single submitter. Criteria: Invitae Variant Classification Sherloc (09022015). Collection method: clinical testing. Allele origin: germline.

ARUP Laboratories, Molecular Genetics and Genomics, ARUP Laboratories
Classification: Benign. Last evaluated: 2024-06-28. Review status: criteria provided, single submitter. Criteria: ARUP Molecular Germline Variant Investigation Process 2024. Collection method: clinical testing. Allele origin: germline.

Genome-Nilou Lab
Classification: Benign for Developmental and epileptic encephalopathy, 14. Last evaluated: 2022-03-15. Review status: criteria provided, single submitter. Criteria: ACMG Guidelines, 2015. Collection method: clinical testing. Allele origin: germline. Affected: no.

Genome-Nilou Lab
Classification: Benign for Autosomal dominant nocturnal frontal lobe epilepsy 5. Last evaluated: 2022-03-15. Review status: criteria provided, single submitter. Criteria: ACMG Guidelines, 2015. Collection method: clinical testing. Allele origin: germline. Affected: no.

Mayo Clinic Laboratories, Mayo Clinic
Classification: Benign. Last evaluated: 2021-07-26. Review status: criteria provided, single submitter. Criteria: ACMG Guidelines, 2015. Collection method: clinical testing. Allele origin: germline. Observed: 4 variant alleles.
Comment: BS1, BS2, BP4

GeneDx
Classification: Benign. Last evaluated: 2016-02-11. Review status: criteria provided, single submitter. Criteria: GeneDx Variant Classification (06012015). Collection method: clinical testing. Allele origin: germline. Affected: yes.
Comment: This variant is considered likely benign or benign based on one or more of the following criteria: it is a conservative change, it occurs at a poorly conserved position in the protein, it is predicted to be benign by multiple in silico algorithms, and/or has population frequency not consistent with disease.

PreventionGenetics, part of Exact Sciences
Classification: Benign for KCNT1-related condition. Last evaluated: 2019-04-11. Review status: no assertion criteria provided. Collection method: clinical testing. Allele origin: germline. Not counted in ClinVar's aggregate classification.
Comment: This variant is classified as benign based on ACMG/AMP sequence variant interpretation guidelines (Richards et al. 2015 PMID: 25741868, with internal and published modifications).

NM_020822.3(KCNT1):c.2729+9A>G

Gene: KCNT1 (potassium sodium-activated channel subfamily T member 1; plus strand). Cytogenetic location: 9q34.3.
Variant type: single nucleotide variant.
Coding change: c.2729+9A>G on transcript NM_020822.3 (MANE Select); 9 bases into the intron after coding-DNA position 2729, A replaced by G.
Molecular consequence: intron variant.
Genome position (GRCh38, 1-based): chr9:135,778,831, A>G. VCF-style: chr9-135778831-A-G. GRCh37 (hg19) VCF-style: chr9-138670677-A-G.
Other names: p.?; c.2594+9A>G (NM_001272003.2).
Identifiers: ClinVar variation 383436 (VCV000383436.17), dbSNP rs12005420, ClinGen allele CA5327400.